The following is an entry in ClinVar:

ClinVar aggregate classification (germline): Uncertain significance. Review status: criteria provided, single submitter (1 of 4 stars). 2 submissions from 2 submitters: Uncertain significance (1). 1 of the submissions does not count toward it. Last evaluated 2022-08-09.

Submissions (2):

Labcorp Genetics (formerly Invitae), Labcorp
Classification: Uncertain significance. Last evaluated: 2022-08-09. Review status: criteria provided, single submitter. Criteria: Invitae Variant Classification Sherloc (09022015). Collection method: clinical testing. Allele origin: germline.
Comment: In summary, the available evidence is currently insufficient to determine the role of this variant in disease. Therefore, it has been classified as a Variant of Uncertain Significance. Experimental studies and prediction algorithms are not available or were not evaluated, and the functional significance of this variant is currently unknown. ClinVar contains an entry for this variant (Variation ID: 591196). This variant has not been reported in the literature in individuals affected with MRPS22-related conditions. Information on the frequency of this variant in the gnomAD database is not available, as this variant may be reported differently in the database. This sequence change replaces arginine, which is basic and polar, with glycine, which is neutral and non-polar, at codon 15 of the MRPS22 protein (p.Arg15Gly).

Gharavi Laboratory, Columbia University
Classification: Uncertain significance. Last evaluated: 2018-09-16. Review status: no assertion criteria provided. Criteria: ACMG Guidelines, 2015. Collection method: research. Allele origin: germline. Affected: yes. Not counted in ClinVar's aggregate classification.

NM_020191.4(MRPS22):c.42_43delinsAG (p.Arg15Gly)

Gene: MRPS22 (mitochondrial ribosomal protein S22; plus strand). Cytogenetic location: 3q23.
Variant type: Indel.
Coding change: c.42_43delinsAG on transcript NM_020191.4 (MANE Select); coding-DNA positions 42 to 43, GA replaced by AG.
Protein change: p.Arg15Gly; replaces arginine 15 with glycine.
Molecular consequence: missense variant.
Genome position (GRCh38, 1-based): chr3:139,344,068-139,344,069, GA replaced by AG. VCF-style: chr3-139344068-GA-AG. GRCh37 (hg19) VCF-style: chr3-139062910-GA-AG.
Other names: c.42_43delinsAG, p.Arg15Gly (NM_001363893.1); short protein forms R15G.
Identifiers: ClinVar variation 591196 (VCV000591196.5), dbSNP rs1560004052, ClinGen allele CA891862737.